The following is an entry in ClinVar:

ClinVar aggregate classification (germline): Pathogenic (1 of 4 stars; one submission).

Conditions:
Hereditary cancer-predisposing syndrome. Also called: Neoplastic Syndromes, Hereditary; Tumor predisposition; Hereditary Cancer Syndrome; Hereditary neoplastic syndrome. Identifiers: Orphanet 140162, MedGen C0027672, MeSH D009386, MONDO:0015356.

Submission:

Ambry Genetics
Classification: Pathogenic for Hereditary cancer-predisposing syndrome. Last evaluated: 2014-01-29. Review status: criteria provided, single submitter. Criteria: Ambry Autosomal Dominant and X-Linked criteria (10/2015). Collection method: clinical testing. Allele origin: germline. Observed: 1 variant allele.
Comment: The c.574delA pathogenic mutation located in coding exon 4 of the STK11 gene, results from a deletion of one nucleotide at nucleotide position 574, causing a translational frameshift with a predicted alternate stop codon. Since frameshifts are typically deleterious in nature, this alteration is interpreted as a disease-causing mutation (ACMG Recommendations for Standards for Interpretation and Reporting of Sequence Variations. Revision 2007. Genet Med. 2008;10:294).

NM_000455.5(STK11):c.574del (p.Ile192fs)

Gene: STK11 (serine/threonine kinase 11; plus strand). Cytogenetic location: 19p13.3.
Variant type: Deletion.
Coding change: c.574del on transcript NM_000455.5 (MANE Select); coding-DNA position 574, one base deleted (A; older notation c.574delA).
Protein change: p.Ile192fs; shifts the reading frame from isoleucine 192.
Molecular consequence: frameshift variant.
Genome position (GRCh38, 1-based): chr19:1,220,482, A deleted; the last of 4 consecutive A bases (chr19:1,220,479-1,220,482); deleting any one gives the same sequence. VCF-style (leftmost placement, unchanged base first): chr19-1220478-CA-C. GRCh37 (hg19) VCF-style: chr19-1220477-CA-C.
Other names: c.574delA (NM_000455.4); short protein forms I192fs.
Identifiers: ClinVar variation 141581 (VCV000141581.3), dbSNP rs587781856, ClinGen allele CA023084.